The following is an entry in ClinVar:

ClinVar aggregate classification (germline): Uncertain significance (1 of 4 stars; one submission).

Conditions:
Cardiovascular phenotype. Identifiers: MedGen CN230736.

Submission:

Ambry Genetics
Classification: Uncertain significance for Cardiovascular phenotype. Last evaluated: 2025-08-03. Review status: criteria provided, single submitter. Criteria: Ambry Variant Classification Scheme 2023. Collection method: clinical testing. Allele origin: germline.
Comment: The p.W3539L variant (also known as c.10616G>T), located in coding exon 38 of the ANK2 gene, results from a G to T substitution at nucleotide position 10616. The tryptophan at codon 3539 is replaced by leucine, an amino acid with similar properties. This amino acid position is conserved. In addition, this alteration is predicted to be deleterious by in silico analysis. Based on the available evidence, the clinical significance of this variant remains unclear.

NM_001148.6(ANK2):c.10616G>T (p.Trp3539Leu)

Gene: ANK2 (ankyrin 2; plus strand). Cytogenetic location: 4q26.
Variant type: single nucleotide variant.
Coding change: c.10616G>T on transcript NM_001148.6 (MANE Select); coding-DNA position 10616, G replaced by T.
Protein change: p.Trp3539Leu; replaces tryptophan 3539 with leucine.
Molecular consequence: missense variant. On other transcripts: intron variant (68).
Genome position (GRCh38, 1-based): chr4:113,359,234, G>T. VCF-style: chr4-113359234-G-T. GRCh37 (hg19) VCF-style: chr4-114280390-G-T.
Other names: c.10382G>T, p.Trp3461Leu (NM_001386142.1); c.7016G>T, p.Trp2339Leu (NM_001386166.1); c.10757G>T, p.Trp3586Leu (NM_001386174.1); c.10733G>T, p.Trp3578Leu (NM_001386175.1); c.4412-1589G>T (NM_001386186.2, NM_001386148.2); c.4214-1589G>T (NM_001354269.3); c.4292-1589G>T (NM_001386187.2); c.4253-1589G>T (NM_001386147.1); and 35 more; short protein forms W3586L, W2339L, W3461L, W3539L, W3578L.
Identifiers: ClinVar variation 4096677 (VCV004096677.1).